The following is an entry in ClinVar:

ClinVar aggregate classification (germline): Uncertain significance. Review status: criteria provided, multiple submitters, no conflicts (2 of 4 stars). 2 submissions from 2 submitters: Uncertain significance (2). Last evaluated 2022-09-07.

Conditions:
Inborn genetic diseases. Identifiers: MedGen C0950123, MeSH D030342.

gnomAD v4.1: 68 of 1,613,666 alleles (0.0042%); highest among the groups gnomAD compares: Non-Finnish European, 0.0053%; no homozygotes.

Submissions (2):

Labcorp Genetics (formerly Invitae), Labcorp
Classification: Uncertain significance. Last evaluated: 2022-09-07. Review status: criteria provided, single submitter. Criteria: Invitae Variant Classification Sherloc (09022015). Collection method: clinical testing. Allele origin: germline.
Comment: This sequence change replaces arginine, which is basic and polar, with glutamine, which is neutral and polar, at codon 823 of the PCLO protein (p.Arg823Gln). This variant is present in population databases (rs201550435, gnomAD 0.01%). This variant has not been reported in the literature in individuals affected with PCLO-related conditions. ClinVar contains an entry for this variant (Variation ID: 1427355). Algorithms developed to predict the effect of missense changes on protein structure and function are either unavailable or do not agree on the potential impact of this missense change (SIFT: "Tolerated"; PolyPhen-2: "Not Available"; Align-GVGD: "Class C0"). In summary, the available evidence is currently insufficient to determine the role of this variant in disease. Therefore, it has been classified as a Variant of Uncertain Significance.

Ambry Genetics
Classification: Uncertain significance for Inborn genetic diseases. Last evaluated: 2021-07-21. Review status: criteria provided, single submitter. Criteria: Ambry Variant Classification Scheme 2023. Collection method: clinical testing. Allele origin: germline.

NM_033026.6(PCLO):c.2468G>A (p.Arg823Gln)

Gene: PCLO (piccolo presynaptic cytomatrix protein; minus strand). Cytogenetic location: 7q21.11.
Variant type: single nucleotide variant.
Coding change: c.2468G>A on transcript NM_033026.6 (MANE Select); coding-DNA position 2468, G replaced by A.
Protein change: p.Arg823Gln; replaces arginine 823 with glutamine.
Molecular consequence: missense variant.
Genome position (GRCh38, 1-based): chr7:83,135,082, C>T on the plus strand (G>A on the coding strand, the complement: PCLO is on the minus strand). VCF-style: chr7-83135082-C-T. GRCh37 (hg19) VCF-style: chr7-82764398-C-T.
Other names: c.2468G>A, p.Arg823Gln (NM_014510.3); c.2468G>A (NM_033026.5); short protein forms R823Q.
Identifiers: ClinVar variation 1427355 (VCV001427355.6), dbSNP rs201550435, ClinGen allele CA4321258.
Genomic context (GRCh38, chr7:83,135,082, plus strand): 5'-TGACCTTTGCTCTCTGAACTGGGACCAGGATGTGAAATAATTTTTGAATCTGATGCAGGT[C>T]GAGGTATGGCTTTAGAATCAAATGGGCTGACTTTTTCCCCTGTTGGTGGAAAACTCTGTG-3'
Protein context (NP_149015.2, residues 813-833): VSPFDSKAIP[Arg823Gln]PASDSKIISH